The following is an entry in ClinVar:

NM_001330078.2(NRXN1):c.772+1035A>G

Gene: NRXN1 (neurexin 1; minus strand). Cytogenetic location: 2p16.3.
Variant type: single nucleotide variant.
Coding change: c.772+1035A>G on transcript NM_001330078.2 (MANE Select); 1035 bases into the intron after coding-DNA position 772, A replaced by G.
Molecular consequence: intron variant. On other transcripts: missense variant (1).
Genome position (GRCh38, 1-based): chr2:51,026,467, T>C on the plus strand (A>G on the coding strand, the complement: NRXN1 is on the minus strand). VCF-style: chr2-51026467-T-C. GRCh37 (hg19) VCF-style: chr2-51253605-T-C.
Other names: c.775A>G, p.Ile259Val (NM_001135659.3); c.772+1035A>G (NM_001330096.2, NM_001330087.2, NM_001330083.2 and 14 more transcripts); short protein forms I259V.
Identifiers: ClinVar variation 1403631 (VCV001403631.6), dbSNP rs1342953820, ClinGen allele CA346823291.

ClinVar aggregate classification (germline): Uncertain significance (1 of 4 stars; one submission).

Conditions:
Pitt-Hopkins-like syndrome 2 (PTHSL2). Identifiers: Orphanet 221150, Orphanet 600663, MedGen C3280479, MONDO:0013690, OMIM 614325.

Allele frequency attached by ClinVar (database versions not stated): gnomAD 0.00001; gnomAD exomes 0.00001.
gnomAD v4.1: 8 of 1,593,662 alleles (0.0005%); highest among the groups gnomAD compares: Non-Finnish European, 0.00069%; no homozygotes.

Submission:

Labcorp Genetics (formerly Invitae), Labcorp
Classification: Uncertain significance for Pitt-Hopkins-like syndrome 2. Last evaluated: 2023-07-17. Review status: criteria provided, single submitter. Criteria: Invitae Variant Classification Sherloc (09022015). Collection method: clinical testing. Allele origin: germline.
Comment: ClinVar contains an entry for this variant (Variation ID: 1403631). This variant has not been reported in the literature in individuals affected with NRXN1-related conditions. This variant is present in population databases (no rsID available, gnomAD 0.007%). This sequence change replaces isoleucine, which is neutral and non-polar, with valine, which is neutral and non-polar, at codon 259 of the NRXN1 protein (p.Ile259Val). An algorithm developed to predict the effect of missense changes on protein structure and function (PolyPhen-2) suggests that this variant is likely to be tolerated. In summary, the available evidence is currently insufficient to determine the role of this variant in disease. Therefore, it has been classified as a Variant of Uncertain Significance.